The following is an entry in ClinVar:

NM_001374828.1(ARID1B):c.597G>A (p.Gln199=)

Genes: ARID1B (AT-rich interaction domain 1B; plus strand), LOC115308161 (uncharacterized LOC115308161; minus strand). Cytogenetic location: 6q25.3.
Variant type: single nucleotide variant.
Coding change: c.597G>A on transcript NM_001374828.1 (MANE Select); coding-DNA position 597, G replaced by A.
Protein change: p.Gln199=; no amino-acid change (glutamine 199 retained).
Molecular consequence: synonymous variant. On other transcripts: non-coding transcript variant (1).
Genome position (GRCh38, 1-based): chr6:156,778,277, G>A. VCF-style: chr6-156778277-G-A. GRCh37 (hg19) VCF-style: chr6-157099411-G-A.
Other names: c.597G>A, p.Gln199= (NM_001371656.1, NM_001374820.1, NM_001438482.1 and 9 more transcripts).
Identifiers: ClinVar variation 4533595 (VCV004533595.6).

ClinVar aggregate classification (germline): Likely benign (1 of 4 stars; one submission).

gnomAD v4.1: 3 of 1,540,480 alleles (0.00019%); highest among the groups gnomAD compares: Admixed American, 0.002%; no homozygotes.

Submission:

CeGaT Center for Human Genetics Tuebingen
Classification: Likely benign. Last evaluated: 2026-09-01. Review status: criteria provided, single submitter. Criteria: CeGaT Center For Human Genetics Tuebingen Variant Classification Criteria Version 2. Collection method: clinical testing. Allele origin: germline. Affected: yes. Observed: 2 variant alleles.
Comment: ARID1B: BP4, BP7